The following is an entry in ClinVar:

NM_002230.4(JUP):c.21G>C (p.Met7Ile)

Gene: JUP (junction plakoglobin; minus strand). Cytogenetic location: 17q21.2.
Variant type: single nucleotide variant.
Coding change: c.21G>C on transcript NM_002230.4 (MANE Select); coding-DNA position 21, G replaced by C.
Protein change: p.Met7Ile; replaces methionine 7 with isoleucine.
Molecular consequence: missense variant.
Genome position (GRCh38, 1-based): chr17:41,771,834, C>G on the plus strand (G>C on the coding strand, the complement: JUP is on the minus strand). VCF-style: chr17-41771834-C-G. GRCh37 (hg19) VCF-style: chr17-39928086-C-G.
Other names: c.21G>C, p.Met7Ile (NM_001352773.2, NM_001352774.2, NM_001352775.2 and 3 more transcripts); short protein forms M7I.
Identifiers: ClinVar variation 1468273 (VCV001468273.8), dbSNP rs782076076, ClinGen allele CA8565602.

ClinVar aggregate classification (germline): Uncertain significance. Review status: criteria provided, multiple submitters, no conflicts (2 of 4 stars). 2 submissions from 2 submitters: Uncertain significance (2). Last evaluated 2022-04-28.

Conditions:
Arrhythmogenic right ventricular dysplasia 12. Also called: ARRHYTHMOGENIC RIGHT VENTRICULAR DYSPLASIA, FAMILIAL, 12. Identifiers: MedGen C1969081, MONDO:0012684, OMIM 611528.
Naxos disease (NXD). Also called: CARDIOMYOPATHY, ARRHYTHMOGENIC RIGHT VENTRICULAR, WITH SKIN, HAIR, AND NAIL ABNORMALITIES; WOOLLY HAIR, PALMOPLANTAR KERATODERMA, AND CARDIAC ABNORMALITIES; KERATOSIS PALMOPLANTARIS WITH ARRHYTHMOGENIC CARDIOMYOPATHY; MAL DE NAXOS; PALMOPLANTAR KERATODERMA WITH ARRHYTHMOGENIC RIGHT VENTRICULAR CARDIOMYOPATHY AND WOOLLY HAIR. Identifiers: Orphanet 34217, MedGen C1832600, MONDO:0011017, OMIM 601214.

Allele frequency attached by ClinVar (database versions not stated): gnomAD 0.00001; gnomAD exomes 0.00002 and 0.00005; TOPMed 0.00002; ExAC 0.00005.
gnomAD v4.1: 15 of 1,612,876 alleles (0.00093%); highest among the groups gnomAD compares: Admixed American, 0.025%; no homozygotes.

Submissions (2):

Labcorp Genetics (formerly Invitae), Labcorp
Classification: Uncertain significance for Arrhythmogenic right ventricular dysplasia 12; Naxos disease. Last evaluated: 2022-04-28. Review status: criteria provided, single submitter. Criteria: Invitae Variant Classification Sherloc (09022015). Collection method: clinical testing. Allele origin: germline.
Comment: Algorithms developed to predict the effect of missense changes on protein structure and function output the following: SIFT: "Tolerated"; PolyPhen-2: "Benign"; Align-GVGD: "Class C0". The isoleucine amino acid residue is found in multiple mammalian species, which suggests that this missense change does not adversely affect protein function. In summary, the available evidence is currently insufficient to determine the role of this variant in disease. Therefore, it has been classified as a Variant of Uncertain Significance. This variant has not been reported in the literature in individuals affected with JUP-related conditions. This sequence change replaces methionine, which is neutral and non-polar, with isoleucine, which is neutral and non-polar, at codon 7 of the JUP protein (p.Met7Ile). This variant is present in population databases (rs782076076, gnomAD 0.04%).

GeneDx
Classification: Uncertain significance. Last evaluated: 2022-04-01. Review status: criteria provided, single submitter. Criteria: GeneDx Variant Classification Process June 2021. Collection method: clinical testing. Allele origin: germline. Affected: yes.
Comment: In silico analysis supports that this missense variant does not alter protein structure/function; Has not been previously published as pathogenic or benign to our knowledge